The following is an entry in ClinVar:

NM_000080.4(CHRNE):c.653_666dup (p.Asp223fs)

Genes: C17orf107 (chromosome 17 open reading frame 107; plus strand), CHRNE (cholinergic receptor nicotinic epsilon subunit; minus strand). Cytogenetic location: 17p13.2.
Variant type: Duplication.
Coding change: c.653_666dup on transcript NM_000080.4 (MANE Select); coding-DNA positions 653 to 666, 14 bases duplicated (ACGGTGGCGCCACC).
Protein change: p.Asp223fs; shifts the reading frame from aspartic acid 223.
Molecular consequence: frameshift variant. On other transcripts: 3 prime UTR variant (1).
Genome position (GRCh38, 1-based): chr17:4,901,126-4,901,139, GGTGGCGCCACCGT duplicated on the plus strand (ACGGTGGCGCCACC on the coding strand, the reverse complement: CHRNE is on the minus strand); duplicating any 14 consecutive bases within chr17:4,901,126-4,901,146 gives the same sequence; the c. name uses the placement nearest the transcript's 3' end. VCF-style (leftmost placement, unchanged base first): chr17-4901125-C-CGGTGGCGCCACCGT. GRCh37 (hg19) VCF-style: chr17-4804420-C-CGGTGGCGCCACCGT.
Other names: c.*600_*613dup (NM_001145536.2); short protein forms D223fs.
Identifiers: ClinVar variation 2103384 (VCV002103384.4), dbSNP rs2507554908, ClinGen allele CA2580093565.
Genomic context (GRCh38, chr17:4,901,125, plus strand): 5'-AGAAGAGCGGCTTCCGGCGGATGATGAGCGAGTAGATGACGTCAGTCTCCCCTGGGCCGT[C>CGGTGGCGCCACCGT]GGTGGCGCCACCGTGGTGGCGGCGGATCACCCCCGGGCAGAAGTCGATGGCCCACTCGCC-3'

ClinVar aggregate classification (germline): Pathogenic (1 of 4 stars; one submission).

Conditions:
Congenital myasthenic syndrome 4A. Also called: CONGENITAL MYASTHENIC SYNDROME TYPE Ia1; Myasthenic syndrome, congenital, 4a, slow-channel; MYASTHENIC SYNDROME, CONGENITAL, 4A, SLOW-CHANNEL, AUTOSOMAL RECESSIVE. Identifiers: Orphanet 590, MedGen C4225413, MONDO:0011600, OMIM 605809.

Submission:

Labcorp Genetics (formerly Invitae), Labcorp
Classification: Pathogenic for Congenital myasthenic syndrome 4A. Last evaluated: 2022-03-11. Review status: criteria provided, single submitter. Criteria: Invitae Variant Classification Sherloc (09022015). Collection method: clinical testing. Allele origin: germline.
Comment: For these reasons, this variant has been classified as Pathogenic. This variant has not been reported in the literature in individuals affected with CHRNE-related conditions. This variant is not present in population databases (gnomAD no frequency). This sequence change creates a premature translational stop signal (p.Asp223Thrfs*82) in the CHRNE gene. It is expected to result in an absent or disrupted protein product. Loss-of-function variants in CHRNE are known to be pathogenic (PMID: 22678886).

Literature cited by the submitters: PubMed 22678886.